The following is an entry in ClinVar:

ClinVar aggregate classification (germline): Benign/Likely benign. Review status: criteria provided, multiple submitters, no conflicts (2 of 4 stars). 2 submissions from 2 submitters: Benign (1); Likely benign (1). Last evaluated 2026-05-01.

Allele frequency attached by ClinVar (database versions not stated): gnomAD 0.00002; gnomAD exomes 0.00005; ExAC 0.00008; TOPMed 0.00008.

Submissions (2):

CeGaT Center for Human Genetics Tuebingen
Classification: Likely benign. Last evaluated: 2026-05-01. Review status: criteria provided, single submitter. Criteria: CeGaT Center For Human Genetics Tuebingen Variant Classification Criteria Version 2. Collection method: clinical testing. Allele origin: germline. Affected: yes. Observed: 1 variant allele.
Comment: MACF1: BP4, BP7

Labcorp Genetics (formerly Invitae), Labcorp
Classification: Benign. Last evaluated: 2025-11-05. Review status: criteria provided, single submitter. Criteria: Invitae Variant Classification Sherloc (09022015). Collection method: clinical testing. Allele origin: germline.

NM_001394062.1(MACF1):c.4557T>G (p.Gly1519=)

Gene: MACF1 (microtubule actin crosslinking factor 1; plus strand). Cytogenetic location: 1p34.3.
Variant type: single nucleotide variant.
Coding change: c.4557T>G on transcript NM_001394062.1 (MANE Select); coding-DNA position 4557, T replaced by G.
Protein change: p.Gly1519=; no amino-acid change (glycine 1519 retained).
Molecular consequence: synonymous variant.
Genome position (GRCh38, 1-based): chr1:39,327,296, T>G. VCF-style: chr1-39327296-T-G. GRCh37 (hg19) VCF-style: chr1-39792968-T-G.
Other names: c.4572T>G, p.Gly1524= (NM_012090.5).
Identifiers: ClinVar variation 2176198 (VCV002176198.6), dbSNP rs765874784, ClinGen allele CA780313.